The following is an entry in ClinVar:

ClinVar aggregate classification (germline): Uncertain significance (1 of 4 stars; one submission).

Submission:

GeneDx
Classification: Uncertain significance. Last evaluated: 2022-05-11. Review status: criteria provided, single submitter. Criteria: GeneDx Variant Classification Process June 2021. Collection method: clinical testing. Allele origin: germline. Affected: yes.
Comment: Not observed at significant frequency in large population cohorts (gnomAD); In silico analysis supports that this missense variant has a deleterious effect on protein structure/function; Has not been previously published as pathogenic or benign to our knowledge

NM_006922.4(SCN3A):c.4486A>G (p.Met1496Val)

Gene: SCN3A (sodium voltage-gated channel alpha subunit 3; minus strand). Cytogenetic location: 2q24.3.
Variant type: single nucleotide variant.
Coding change: c.4486A>G on transcript NM_006922.4 (MANE Select); coding-DNA position 4486, A replaced by G.
Protein change: p.Met1496Val; replaces methionine 1496 with valine.
Molecular consequence: missense variant.
Genome position (GRCh38, 1-based): chr2:165,094,424, T>C on the plus strand (A>G on the coding strand, the complement: SCN3A is on the minus strand). VCF-style: chr2-165094424-T-C. GRCh37 (hg19) VCF-style: chr2-165950934-T-C.
Other names: c.4339A>G, p.Met1447Val (NM_001081676.2, NM_001081677.2); short protein forms M1447V, M1496V.
Identifiers: ClinVar variation 1723697 (VCV001723697.2), dbSNP rs1193077561, ClinGen allele CA349020446.